The following is an entry in ClinVar:

ClinVar aggregate classification (germline): Uncertain significance. Review status: criteria provided, multiple submitters, no conflicts (2 of 4 stars). 4 submissions from 4 submitters: Uncertain significance (4). Last evaluated 2024-10-16.

Conditions:
Cardiovascular phenotype. Identifiers: MedGen CN230736.
Cardiomyopathy (CMYO). Also called: Cardiomyopathies. Identifiers: Orphanet 167848, MedGen C0878544, MONDO:0004994, HP:0001638. Inheritance: Various modes of inheritance.
Catecholaminergic polymorphic ventricular tachycardia 1. Also called: VENTRICULAR TACHYCARDIA, CATECHOLAMINERGIC POLYMORPHIC, 1, WITH OR WITHOUT ATRIAL DYSFUNCTION AND/OR DILATED CARDIOMYOPATHY; VENTRICULAR TACHYCARDIA, STRESS-INDUCED POLYMORPHIC 1; RYR2-Related Catecholaminergic Polymorphic Ventricular Tachycardia. Identifiers: Orphanet 3286, MedGen C1631597, MONDO:0011484, OMIM 604772.

Allele frequency attached by ClinVar (database versions not stated): gnomAD 0.00001; gnomAD exomes 0.00001 and 0.00003; TOPMed 0.00001; ExAC 0.00002.

Submissions (4):

Labcorp Genetics (formerly Invitae), Labcorp
Classification: Uncertain significance for Catecholaminergic polymorphic ventricular tachycardia 1. Last evaluated: 2024-10-16. Review status: criteria provided, single submitter. Criteria: Invitae Variant Classification Sherloc (09022015). Collection method: clinical testing. Allele origin: germline.
Comment: This sequence change replaces proline, which is neutral and non-polar, with threonine, which is neutral and polar, at codon 2703 of the RYR2 protein (p.Pro2703Thr). This variant is present in population databases (rs763186606, gnomAD 0.007%). This variant has not been reported in the literature in individuals affected with RYR2-related conditions. ClinVar contains an entry for this variant (Variation ID: 843671). Invitae Evidence Modeling of protein sequence and biophysical properties (such as structural, functional, and spatial information, amino acid conservation, physicochemical variation, residue mobility, and thermodynamic stability) indicates that this missense variant is expected to disrupt RYR2 protein function with a positive predictive value of 95%. In summary, the available evidence is currently insufficient to determine the role of this variant in disease. Therefore, it has been classified as a Variant of Uncertain Significance.

Color Diagnostics, LLC DBA Color Health
Classification: Uncertain significance for Cardiomyopathy. Last evaluated: 2024-04-05. Review status: criteria provided, single submitter. Criteria: ACMG Guidelines, 2015. Collection method: clinical testing. Allele origin: germline.
Comment: This missense variant replaces proline with threonine at codon 2703 of the RYR2 protein. Computational prediction suggests that this variant may have deleterious impact on protein structure and function (internally defined REVEL score threshold >= 0.7, PMID: 27666373). To our knowledge, functional studies have not been reported for this variant. This variant has been reported in an individual affected with dilated cardiomyopathy (PMID: 37904629). This variant has been identified in 3/248164 chromosomes in the general population by the Genome Aggregation Database (gnomAD). The available evidence is insufficient to determine the role of this variant in disease conclusively. Therefore, this variant is classified as a Variant of Uncertain Significance.

Ambry Genetics
Classification: Uncertain significance for Cardiovascular phenotype. Last evaluated: 2023-03-15. Review status: criteria provided, single submitter. Criteria: Ambry Variant Classification Scheme 2023. Collection method: clinical testing. Allele origin: germline.
Comment: The p.P2703T variant (also known as c.8107C>A), located in coding exon 53 of the RYR2 gene, results from a C to A substitution at nucleotide position 8107. The proline at codon 2703 is replaced by threonine, an amino acid with highly similar properties. This amino acid position is highly conserved in available vertebrate species. In addition, this alteration is predicted to be deleterious by in silico analysis. Since supporting evidence is limited at this time, the clinical significance of this alteration remains unclear.

AiLife Diagnostics
Classification: Uncertain significance. Last evaluated: 2022-01-18. Review status: criteria provided, single submitter. Criteria: ACMG Guidelines, 2015. Collection method: clinical testing. Allele origin: germline. Affected: yes. Observed: 1 variant allele.

Literature cited by the submitters: PubMed 37904629 (cited by Color Diagnostics, LLC DBA Color Health).

NM_001035.3(RYR2):c.8107C>A (p.Pro2703Thr)

Gene: RYR2 (ryanodine receptor 2; plus strand). Cytogenetic location: 1q43.
Variant type: single nucleotide variant.
Coding change: c.8107C>A on transcript NM_001035.3 (MANE Select); coding-DNA position 8107, C replaced by A.
Protein change: p.Pro2703Thr; replaces proline 2703 with threonine.
Molecular consequence: missense variant.
Genome position (GRCh38, 1-based): chr1:237,655,962, C>A. VCF-style: chr1-237655962-C-A. GRCh37 (hg19) VCF-style: chr1-237819262-C-A.
Other names: short protein forms P2703T.
Identifiers: ClinVar variation 843671 (VCV000843671.14), dbSNP rs763186606, ClinGen allele CA087565.